The following is an entry in ClinVar:

ClinVar aggregate classification (germline): Uncertain significance (1 of 4 stars; one submission).

Conditions:
Hereditary cancer-predisposing syndrome. Also called: Hereditary Cancer Syndrome; Hereditary neoplastic syndrome; Neoplastic Syndromes, Hereditary; Tumor predisposition. Identifiers: Orphanet 140162, MedGen C0027672, MeSH D009386, MONDO:0015356.

Submission:

Ambry Genetics
Classification: Uncertain significance for Hereditary cancer-predisposing syndrome. Last evaluated: 2024-08-02. Review status: criteria provided, single submitter. Criteria: Ambry Variant Classification Scheme 2023. Collection method: clinical testing. Allele origin: germline.
Comment: The p.S449A variant (also known as c.1345T>G), located in coding exon 6 of the BLM gene, results from a T to G substitution at nucleotide position 1345. The serine at codon 449 is replaced by alanine, an amino acid with similar properties. This amino acid position is conserved. In addition, this alteration is predicted to be tolerated by in silico analysis. Since supporting evidence is limited at this time, the clinical significance of this alteration remains unclear.

NM_000057.4(BLM):c.1345T>G (p.Ser449Ala)

Gene: BLM (BLM RecQ like helicase; plus strand). Cytogenetic location: 15q26.1.
Variant type: single nucleotide variant.
Coding change: c.1345T>G on transcript NM_000057.4 (MANE Select); coding-DNA position 1345, T replaced by G.
Protein change: p.Ser449Ala; replaces serine 449 with alanine.
Molecular consequence: missense variant.
Genome position (GRCh38, 1-based): chr15:90,760,718, T>G. VCF-style: chr15-90760718-T-G. GRCh37 (hg19) VCF-style: chr15-91303948-T-G.
Other names: c.1345T>G, p.Ser449Ala (NM_001287246.2, NM_001287247.2); c.220T>G, p.Ser74Ala (NM_001287248.2); short protein forms S74A, S449A.
Identifiers: ClinVar variation 1770471 (VCV001770471.3), dbSNP rs1895952979, ClinGen allele CA393842860.